The following is an entry in ClinVar:

NM_004706.4(ARHGEF1):c.1204G>A (p.Val402Ile)

Gene: ARHGEF1 (Rho guanine nucleotide exchange factor 1; plus strand). Cytogenetic location: 19q13.2.
Variant type: single nucleotide variant.
Coding change: c.1204G>A on transcript NM_004706.4 (MANE Select); coding-DNA position 1204, G replaced by A.
Protein change: p.Val402Ile; replaces valine 402 with isoleucine.
Molecular consequence: missense variant.
Genome position (GRCh38, 1-based): chr19:41,898,524, G>A. VCF-style: chr19-41898524-G-A. GRCh37 (hg19) VCF-style: chr19-42402673-G-A.
Other names: c.1105G>A, p.Val369Ile (NM_198977.2); c.1249G>A, p.Val417Ile (NM_199002.2); c.1249G>A (NM_199002.1); short protein forms V369I, V402I, V417I.
Identifiers: ClinVar variation 1471979 (VCV001471979.9), dbSNP rs201158983, ClinGen allele CA9466308.

ClinVar aggregate classification (germline): Uncertain significance. Review status: criteria provided, multiple submitters, no conflicts (2 of 4 stars). 2 submissions from 2 submitters: Uncertain significance (2). Last evaluated 2025-12-21.

Allele frequency attached by ClinVar (database versions not stated): gnomAD 0.00007; gnomAD exomes 0.00009; TOPMed 0.00012; ESP Exome Variant Server 0.00023; 1000 Genomes Project 0.00040; 1000 Genomes Project 30x 0.00047.

Submissions (2):

Labcorp Genetics (formerly Invitae), Labcorp
Classification: Uncertain significance. Last evaluated: 2025-12-21. Review status: criteria provided, single submitter. Criteria: Invitae Variant Classification Sherloc (09022015). Collection method: clinical testing. Allele origin: germline.
Comment: This sequence change replaces valine, which is neutral and non-polar, with isoleucine, which is neutral and non-polar, at codon 417 of the ARHGEF1 protein (p.Val417Ile). This variant is present in population databases (rs201158983, gnomAD 0.03%). This variant has not been reported in the literature in individuals affected with ARHGEF1-related conditions. ClinVar contains an entry for this variant (Variation ID: 1471979). An algorithm developed to predict the effect of missense changes on protein structure and function outputs the following: PolyPhen-2: "Benign". The isoleucine amino acid residue is found in multiple mammalian species, which suggests that this missense change does not adversely affect protein function. In summary, the available evidence is currently insufficient to determine the role of this variant in disease. Therefore, it has been classified as a Variant of Uncertain Significance.

Ambry Genetics
Classification: Uncertain significance. Last evaluated: 2021-09-16. Review status: criteria provided, single submitter. Criteria: Ambry Variant Classification Scheme 2023. Collection method: clinical testing. Allele origin: germline.